The following is an entry in ClinVar:

ClinVar aggregate classification (germline): Uncertain significance (1 of 4 stars; one submission).

gnomAD v4.1: 343 of 1,553,102 alleles (0.022%); highest among the groups gnomAD compares: Non-Finnish European, 0.026%; no homozygotes.

Submission:

Labcorp Genetics (formerly Invitae), Labcorp
Classification: Uncertain significance. Last evaluated: 2025-12-01. Review status: criteria provided, single submitter. Criteria: Invitae Variant Classification Sherloc (09022015). Collection method: clinical testing. Allele origin: germline.
Comment: This sequence change replaces arginine, which is basic and polar, with cysteine, which is neutral and slightly polar, at codon 47 of the CDSN protein (p.Arg47Cys). This variant is present in population databases (rs147268533, gnomAD 0.06%). This variant has not been reported in the literature in individuals affected with CDSN-related conditions. ClinVar contains an entry for this variant (Variation ID: 3663329). Invitae Evidence Modeling of protein sequence and biophysical properties (such as structural, functional, and spatial information, amino acid conservation, physicochemical variation, residue mobility, and thermodynamic stability) has been performed for this missense variant. However, the output from this modeling did not meet the statistical confidence thresholds required to predict the impact of this variant on CDSN protein function. In summary, the available evidence is currently insufficient to determine the role of this variant in disease. Therefore, it has been classified as a Variant of Uncertain Significance.

NM_001264.5(CDSN):c.139C>T (p.Arg47Cys)

Genes: CDSN (corneodesmosin; minus strand), PSORS1C1 (psoriasis susceptibility 1 candidate 1; plus strand). Cytogenetic location: 6p21.33.
Variant type: single nucleotide variant.
Coding change: c.139C>T on transcript NM_001264.5 (MANE Select); coding-DNA position 139, C replaced by T.
Protein change: p.Arg47Cys; replaces arginine 47 with cysteine.
Molecular consequence: missense variant. On other transcripts: intron variant (1).
Genome position (GRCh38, 1-based): chr6:31,117,476, G>A on the plus strand (C>T on the coding strand, the complement: CDSN is on the minus strand). VCF-style: chr6-31117476-G-A. GRCh37 (hg19) VCF-style: chr6-31085253-G-A.
Other names: c.-229+2585G>A (NM_014068.3); short protein forms R47C.
Identifiers: ClinVar variation 3663329 (VCV003663329.2).